The following is an entry in ClinVar:

ClinVar aggregate classification (germline): Likely pathogenic (1 of 4 stars; one submission).

Allele frequency attached by ClinVar (database versions not stated): gnomAD exomes below 0.00001.
gnomAD v4.1: 1 of 1,613,562 alleles (0.000062%); highest among the groups gnomAD compares: Non-Finnish European, 0.000085%; no homozygotes.

Submission:

Labcorp Genetics (formerly Invitae), Labcorp
Classification: Likely pathogenic. Last evaluated: 2023-06-16. Review status: criteria provided, single submitter. Criteria: Invitae Variant Classification Sherloc (09022015). Collection method: clinical testing. Allele origin: germline.
Comment: This variant is not present in population databases (gnomAD no frequency). This sequence change affects a donor splice site in intron 28 of the ADCY10 gene. It is expected to disrupt RNA splicing. Variants that disrupt the donor or acceptor splice site typically lead to a loss of protein function (PMID: 16199547), and loss-of-function variants in ADCY10 are known to be pathogenic (PMID: 31119281). This variant has not been reported in the literature in individuals affected with ADCY10-related conditions. Algorithms developed to predict the effect of sequence changes on RNA splicing suggest that this variant may disrupt the consensus splice site. In summary, the currently available evidence indicates that the variant is pathogenic, but additional data are needed to prove that conclusively. Therefore, this variant has been classified as Likely Pathogenic.

Literature cited by the submitters: PubMed 16199547; PubMed 31119281.

NM_018417.6(ADCY10):c.4052+2T>C

Gene: ADCY10 (adenylate cyclase 10; minus strand). Cytogenetic location: 1q24.2.
Variant type: single nucleotide variant.
Coding change: c.4052+2T>C on transcript NM_018417.6 (MANE Select); the canonical splice donor site of the intron after coding-DNA position 4052, T replaced by C.
Molecular consequence: splice donor variant.
Genome position (GRCh38, 1-based): chr1:167,824,474, A>G on the plus strand (T>C on the coding strand, the complement: ADCY10 is on the minus strand). VCF-style: chr1-167824474-A-G. GRCh37 (hg19) VCF-style: chr1-167793712-A-G.
Other names: c.3593+2T>C (NM_001167749.3); c.3776+2T>C (NM_001297772.2).
Identifiers: ClinVar variation 2717890 (VCV002717890.3), dbSNP rs2524933602, ClinGen allele CA343098345.